The following is an entry in ClinVar:

NM_014956.5(CEP164):c.1704C>T (p.Thr568=)

Gene: CEP164 (centrosomal protein 164; plus strand). Cytogenetic location: 11q23.3.
Variant type: single nucleotide variant.
Coding change: c.1704C>T on transcript NM_014956.5 (MANE Select); coding-DNA position 1704, C replaced by T.
Protein change: p.Thr568=; no amino-acid change (threonine 568 retained).
Molecular consequence: synonymous variant.
Genome position (GRCh38, 1-based): chr11:117,382,922, C>T. VCF-style: chr11-117382922-C-T. GRCh37 (hg19) VCF-style: chr11-117253638-C-T.
Other names: c.1713C>T, p.Thr571= (NM_001271933.2); c.1704C>T (NM_014956.4).
Identifiers: ClinVar variation 1152252 (VCV001152252.11), dbSNP rs755780242, ClinGen allele CA6294830.

ClinVar aggregate classification (germline): Likely benign. Review status: criteria provided, single submitter (1 of 4 stars). 2 submissions from 2 submitters: Likely benign (1). 1 of the submissions does not count toward it. Last evaluated 2025-08-12.

Conditions:
CEP164-related disorder. Also called: CEP164-related condition.
Nephronophthisis 15 (NPHP15). Identifiers: Orphanet 3156, MedGen C3541853, MONDO:0013917, OMIM 614845.

Allele frequency attached by ClinVar (database versions not stated): gnomAD exomes 0.00001 and 0.00002; gnomAD 0.00002; TOPMed 0.00002; ExAC 0.00004.
gnomAD v4.1: 12 of 1,609,544 alleles (0.00075%); highest among the groups gnomAD compares: Admixed American, 0.0017%; no homozygotes.

Submissions (2):

Labcorp Genetics (formerly Invitae), Labcorp
Classification: Likely benign for Nephronophthisis 15. Last evaluated: 2025-08-12. Review status: criteria provided, single submitter. Criteria: Invitae Variant Classification Sherloc (09022015). Collection method: clinical testing. Allele origin: germline.

PreventionGenetics, part of Exact Sciences
Classification: Likely benign for CEP164-related condition. Last evaluated: 2020-09-08. Review status: no assertion criteria provided. Collection method: clinical testing. Allele origin: germline. Not counted in ClinVar's aggregate classification.
Comment: This variant is classified as likely benign based on ACMG/AMP sequence variant interpretation guidelines (Richards et al. 2015 PMID: 25741868, with internal and published modifications).